The following is an entry in ClinVar:

NM_000179.3(MSH6):c.3109_3112del (p.Phe1037fs)

Gene: MSH6 (mutS homolog 6; plus strand). Cytogenetic location: 2p16.3.
Variant type: Deletion.
Coding change: c.3109_3112del on transcript NM_000179.3 (MANE Select); coding-DNA positions 3109 to 3112, 4 bases deleted (TTCT; older notation c.3109_3112delTTCT).
Protein change: p.Phe1037fs; shifts the reading frame from phenylalanine 1037.
Molecular consequence: frameshift variant.
Genome position (GRCh38, 1-based): chr2:47,801,092-47,801,095, TTCT deleted. VCF-style (leftmost placement, unchanged base first): chr2-47801091-GTTCT-G. GRCh37 (hg19) VCF-style: chr2-48028230-GTTCT-G.
Other names: c.2719_2722del, p.Phe907fs (NM_001281492.2); c.2203_2206del, p.Phe735fs (NM_001281493.2, NM_001281494.2); c.3109_3112delTTCT (NM_000179.2); short protein forms F1037fs, F907fs, F735fs.
Identifiers: ClinVar variation 573288 (VCV000573288.9), dbSNP rs1558668156, ClinGen allele CA891842833.

ClinVar aggregate classification (germline): Pathogenic. Review status: criteria provided, multiple submitters, no conflicts (2 of 4 stars). 2 submissions from 2 submitters: Pathogenic (2). Last evaluated 2025-12-02.

Conditions:
Hereditary nonpolyposis colorectal neoplasms. Identifiers: MedGen C0009405, MeSH D003123.
Hereditary cancer-predisposing syndrome. Also called: Neoplastic Syndromes, Hereditary; Hereditary Cancer Syndrome; Tumor predisposition; Hereditary neoplastic syndrome. Identifiers: Orphanet 140162, MedGen C0027672, MeSH D009386, MONDO:0015356.

Submissions (2):

Ambry Genetics
Classification: Pathogenic for Hereditary cancer-predisposing syndrome. Last evaluated: 2025-12-02. Review status: criteria provided, single submitter. Criteria: Ambry Variant Classification Scheme 2023. Collection method: clinical testing. Allele origin: germline.
Comment: The c.3109_3112delTTCT pathogenic mutation, located in coding exon 4 of the MSH6 gene, results from a deletion of 4 nucleotides at nucleotide positions 3109 to 3112, causing a translational frameshift with a predicted alternate stop codon (p.F1037Ifs*14). This variant is considered to be rare based on population cohorts in the Genome Aggregation Database (gnomAD). This alteration is expected to result in loss of function by premature protein truncation or nonsense-mediated mRNA decay. As such, this alteration is interpreted as a disease-causing mutation.

Labcorp Genetics (formerly Invitae), Labcorp
Classification: Pathogenic for Hereditary nonpolyposis colorectal neoplasms. Last evaluated: 2018-09-04. Review status: criteria provided, single submitter. Criteria: Invitae Variant Classification Sherloc (09022015). Collection method: clinical testing. Allele origin: germline.
Comment: This sequence change creates a premature translational stop signal (p.Phe1037Ilefs*14) in the MSH6 gene. It is expected to result in an absent or disrupted protein product. This variant is not present in population databases (ExAC no frequency). This variant has not been reported in the literature in individuals with MSH6-related disease. Loss-of-function variants in MSH6 are known to be pathogenic (PMID: 18269114, 24362816). For these reasons, this variant has been classified as Pathogenic.

Literature cited by the submitters: PubMed 18269114 (cited by Labcorp Genetics (formerly Invitae), Labcorp); PubMed 24362816 (cited by Labcorp Genetics (formerly Invitae), Labcorp).